The following is an entry in ClinVar:

NM_000404.4(GLB1):c.218A>G (p.Lys73Arg)

Gene: GLB1 (galactosidase beta 1; minus strand). Cytogenetic location: 3p22.3.
Variant type: single nucleotide variant.
Coding change: c.218A>G on transcript NM_000404.4 (MANE Select); coding-DNA position 218, A replaced by G.
Protein change: p.Lys73Arg; replaces lysine 73 with arginine.
Molecular consequence: missense variant.
Genome position (GRCh38, 1-based): chr3:33,072,571, T>C on the plus strand (A>G on the coding strand, the complement: GLB1 is on the minus strand). VCF-style: chr3-33072571-T-C. GRCh37 (hg19) VCF-style: chr3-33114063-T-C.
Other names: c.128A>G, p.Lys43Arg (NM_001079811.3); c.218A>G, p.Lys73Arg (NM_001135602.3); c.362A>G, p.Lys121Arg (NM_001317040.2); short protein forms K121R, K43R, K73R.
Identifiers: ClinVar variation 1005888 (VCV001005888.4), dbSNP rs776889510, ClinGen allele CA2299768.

ClinVar aggregate classification (germline): Uncertain significance. Review status: criteria provided, multiple submitters, no conflicts (2 of 4 stars). 2 submissions from 2 submitters: Uncertain significance (2). Last evaluated 2024-06-03.

Conditions:
Mucopolysaccharidosis, MPS-IV-B (MPS4B). Also called: Mucopolysaccharidosis type IV B; Mucopolysaccharidosis Type IVB; Mucopolysaccharidosis type 4B; Mucopolysaccharidosis type IVB (Morquio); MPS IVB; MORQUIO SYNDROME B. Identifiers: Orphanet 309310, Orphanet 582, MedGen C0086652, MONDO:0009660, OMIM 253010.
GM1 gangliosidosis. Identifiers: Orphanet 354, MedGen C0085131, MONDO:0018149.
GM1 gangliosidosis type 3. Also called: GANGLIOSIDOSIS, GENERALIZED GM1, ADULT TYPE; GANGLIOSIDOSIS, GENERALIZED GM1, CHRONIC TYPE; GANGLIOSIDOSIS, GENERALIZED GM1, TYPE III; Gangliosidosis, Generalized GM1, Type 3; Beta-galactosidase deficiency; Adult GM1 gangliosidosis. Identifiers: Orphanet 79257, MedGen C0268273, MONDO:0009262, OMIM 230650.

Allele frequency attached by ClinVar (database versions not stated): gnomAD exomes below 0.00001 and 0.00001; ExAC 0.00001.
gnomAD v4.1: 8 of 1,613,824 alleles (0.0005%); highest among the groups gnomAD compares: South Asian, 0.0088%; no homozygotes.

Submissions (2):

3billion
Classification: Uncertain significance for GM1 gangliosidosis type 3. Last evaluated: 2024-06-03. Review status: criteria provided, single submitter. Criteria: ACMG Guidelines, 2015. Collection method: clinical testing. Allele origin: germline. Affected: yes.
Comment: The variant is observed at an extremely low frequency in the gnomAD v4.0.0 dataset (total allele frequency: <0.001%). Predicted Consequence/Location: Missense variant In silico tool predictions suggest damaging effect of the variant on gene or gene product [REVEL: 0.37 (>=0.6, sensitivity 0.68 and specificity 0.92); 3Cnet: 0.92 (>=0.6, sensitivity 0.72 and precision 0.9)]. A different missense change at the same codon (p.Lys73Glu) has been reported to be associated with GLB1 related disorder (PMID: 15986423). However the evidence of pathogenicity is insufficient at this time. Therefore, this variant is classified as VUS according to the recommendation of ACMG/AMP guideline.

Labcorp Genetics (formerly Invitae), Labcorp
Classification: Uncertain significance for Mucopolysaccharidosis, MPS-IV-B; GM1 gangliosidosis. Last evaluated: 2021-08-26. Review status: criteria provided, single submitter. Criteria: Invitae Variant Classification Sherloc (09022015). Collection method: clinical testing. Allele origin: germline.
Comment: This sequence change replaces lysine with arginine at codon 73 of the GLB1 protein (p.Lys73Arg). The lysine residue is moderately conserved and there is a small physicochemical difference between lysine and arginine. This variant is present in population databases (rs776889510, ExAC 0.006%). This variant has not been reported in the literature in individuals affected with GLB1-related conditions. Algorithms developed to predict the effect of missense changes on protein structure and function output the following: SIFT: "Tolerated"; PolyPhen-2: "Benign"; Align-GVGD: "Class C0". The arginine amino acid residue is found in multiple mammalian species, which suggests that this missense change does not adversely affect protein function. In summary, the available evidence is currently insufficient to determine the role of this variant in disease. Therefore, it has been classified as a Variant of Uncertain Significance.

Literature cited by the submitters: PubMed 15986423 (cited by 3billion).